The following is an entry in ClinVar:

ClinVar aggregate classification (germline): Benign. Review status: criteria provided, multiple submitters, no conflicts (2 of 4 stars). 2 submissions from 2 submitters: Benign (2). Last evaluated 2018-01-13.

Conditions:
Familial visceral amyloidosis, Ostertag type (AMYLD2). Also called: AMYLOIDOSIS VIII; Ostertag type amyloidosis; Familial visceral amyloidosis; Hereditary Renal Amyloidosis; Amyloidosis, hepatic and systemic; AMYLOIDOSIS, HEREDITARY SYSTEMIC 2. Identifiers: Orphanet 85450, MedGen C0268389, MONDO:0007099, OMIM 105200.

Allele frequency attached by ClinVar (database versions not stated): gnomAD exomes 0.00513; gnomAD 0.10117 and 0.10799; 1000 Genomes Project 0.11142; TOPMed 0.11397; 1000 Genomes Project 30x 0.11587.
gnomAD v4.1: 15,253 of 152,480 alleles (10%); highest among the groups gnomAD compares: African/African-American, 33%; 2,387 homozygotes.

Submissions (2):

Illumina Laboratory Services, Illumina
Classification: Benign for Familial visceral amyloidosis, Ostertag type. Last evaluated: 2018-01-13. Review status: criteria provided, single submitter. Criteria: ICSL Variant Classification Criteria 13 December 2019. Collection method: clinical testing. Allele origin: germline.
Comment: This variant was observed in the ICSL laboratory as part of a predisposition screen in an ostensibly healthy population. It had not been previously curated by ICSL or reported in the Human Gene Mutation Database (HGMD: prior to June 1st, 2018), and was therefore a candidate for classification through an automated scoring system. Utilizing variant allele frequency, disease prevalence and penetrance estimates, and inheritance mode, an automated score was calculated to assess if this variant is too frequent to cause the disease. Based on the score and internal cut-off values, a variant classified as benign is not then subjected to further curation. The score for this variant resulted in a classification of benign for this disease.

Breakthrough Genomics
Classification: Benign. Review status: criteria provided, single submitter. Criteria: ACMG Guidelines, 2015. Collection method: not provided. Allele origin: germline. Inheritance: Autosomal dominant inheritance. Affected: yes.

NM_000239.3(LYZ):c.*655G>T

Gene: LYZ (lysozyme; plus strand). Cytogenetic location: 12q15.
Variant type: single nucleotide variant.
Coding change: c.*655G>T on transcript NM_000239.3 (MANE Select); 655 bases downstream of the stop codon, G replaced by T.
Molecular consequence: 3 prime UTR variant.
Genome position (GRCh38, 1-based): chr12:69,353,874, G>T. VCF-style: chr12-69353874-G-T. GRCh37 (hg19) VCF-style: chr12-69747654-G-T.
Identifiers: ClinVar variation 310351 (VCV000310351.6), dbSNP rs8612, ClinGen allele CA10643274.